The following is an entry in ClinVar:

NM_006270.5(RRAS):c.44G>A (p.Arg15Gln)

Gene: RRAS (RAS related; minus strand). Cytogenetic location: 19q13.33.
Variant type: single nucleotide variant.
Coding change: c.44G>A on transcript NM_006270.5 (MANE Select); coding-DNA position 44, G replaced by A.
Protein change: p.Arg15Gln; replaces arginine 15 with glutamine.
Molecular consequence: missense variant.
Genome position (GRCh38, 1-based): chr19:49,640,055, C>T on the plus strand (G>A on the coding strand, the complement: RRAS is on the minus strand). VCF-style: chr19-49640055-C-T. GRCh37 (hg19) VCF-style: chr19-50143312-C-T.
Other names: short protein forms R15Q.
Identifiers: ClinVar variation 1995598 (VCV001995598.4), dbSNP rs772132258, ClinGen allele CA9579173.
Genomic context (GRCh38, chr19:49,640,055, plus strand): 5'-ACGACCACCAGCTTGTGTGTCTCGCTGGGCGGGGGGTCCCCGGGCCCAGGTCCCCCGCCC[C>T]GGGGCCGCCCCCGCCCTGTCCCGGACGCCGCCCCGCTGCTCATGTCGCCACCGCTGCTGC-3'
Protein context (NP_006261.1, residues 5-25): AASGTGRGRP[Arg15Gln]GGGPGPGDPP

ClinVar aggregate classification (germline): Uncertain significance (1 of 4 stars; one submission).

Conditions:
Noonan syndrome (NS). Also called: Noonan's syndrome. Identifiers: Orphanet 648, MedGen C0028326, MeSH D009634, MONDO:0018997. Disease mechanism: gain of function.

Allele frequency attached by ClinVar (database versions not stated): ExAC 0.00011.
gnomAD v4.1: 1 of 1,487,640 alleles (0.000067%); no homozygotes.

Submission:

Labcorp Genetics (formerly Invitae), Labcorp
Classification: Uncertain significance for Noonan syndrome. Last evaluated: 2022-11-29. Review status: criteria provided, single submitter. Criteria: Invitae Variant Classification Sherloc (09022015). Collection method: clinical testing. Allele origin: germline.
Comment: This variant has not been reported in the literature in individuals affected with RRAS-related conditions. The frequency data for this variant in the population databases is considered unreliable, as metrics indicate poor data quality at this position in the gnomAD database. This sequence change replaces arginine, which is basic and polar, with glutamine, which is neutral and polar, at codon 15 of the RRAS protein (p.Arg15Gln). In summary, the available evidence is currently insufficient to determine the role of this variant in disease. Therefore, it has been classified as a Variant of Uncertain Significance. Algorithms developed to predict the effect of missense changes on protein structure and function are either unavailable or do not agree on the potential impact of this missense change (SIFT: "Tolerated"; PolyPhen-2: "Possibly Damaging"; Align-GVGD: "Class C0").